The following is an entry in ClinVar:

NM_015474.4(SAMHD1):c.610C>T (p.Leu204Phe)

Gene: SAMHD1 (SAM and HD domain containing deoxynucleoside triphosphate triphosphohydrolase 1; minus strand). Cytogenetic location: 20q11.23.
Variant type: single nucleotide variant.
Coding change: c.610C>T on transcript NM_015474.4 (MANE Select); coding-DNA position 610, C replaced by T.
Protein change: p.Leu204Phe; replaces leucine 204 with phenylalanine.
Molecular consequence: missense variant.
Genome position (GRCh38, 1-based): chr20:36,930,775, G>A on the plus strand (C>T on the coding strand, the complement: SAMHD1 is on the minus strand). VCF-style: chr20-36930775-G-A. GRCh37 (hg19) VCF-style: chr20-35559178-G-A.
Other names: c.610C>T, p.Leu204Phe (NM_001363729.2, NM_001363733.2); short protein forms L204F.
Identifiers: ClinVar variation 654950 (VCV000654950.7), dbSNP rs1053324143, ClinGen allele CA314264688.

ClinVar aggregate classification (germline): Uncertain significance. Review status: criteria provided, single submitter (1 of 4 stars). 2 submissions from 2 submitters: Uncertain significance (1). 1 of the submissions does not count toward it. Last evaluated 2021-08-20.

Conditions:
Aicardi-Goutieres syndrome 5. Identifiers: Orphanet 51, MedGen C2749659, MONDO:0013059, OMIM 612952.
Aicardi Goutieres syndrome (AGS). Also called: Encephalopathy, familial infantile, with calcification of basal ganglia and chronic cerebrospinal fluid lymphocytosis. Identifiers: Orphanet 51, MedGen C0393591, MONDO:0018866.

Allele frequency attached by ClinVar (database versions not stated): gnomAD exomes below 0.00001 and 0.00001; gnomAD 0.00001; TOPMed 0.00002.
gnomAD v4.1: 9 of 1,612,064 alleles (0.00056%); highest among the groups gnomAD compares: Non-Finnish European, 0.00076%; no homozygotes.

Submissions (2):

Labcorp Genetics (formerly Invitae), Labcorp
Classification: Uncertain significance for Aicardi-Goutieres syndrome 5. Last evaluated: 2021-08-20. Review status: criteria provided, single submitter. Criteria: Invitae Variant Classification Sherloc (09022015). Collection method: clinical testing. Allele origin: germline.
Comment: This sequence change replaces leucine with phenylalanine at codon 204 of the SAMHD1 protein (p.Leu204Phe). The leucine residue is highly conserved and there is a small physicochemical difference between leucine and phenylalanine. This variant is not present in population databases (ExAC no frequency). This variant has not been reported in the literature in individuals affected with SAMHD1-related conditions. Algorithms developed to predict the effect of missense changes on protein structure and function are either unavailable or do not agree on the potential impact of this missense change (SIFT: "Deleterious"; PolyPhen-2: "Probably Damaging"; Align-GVGD: "Class C0"). In summary, the available evidence is currently insufficient to determine the role of this variant in disease. Therefore, it has been classified as a Variant of Uncertain Significance.

Natera, Inc.
Classification: Uncertain significance for Aicardi-Goutieres syndrome. Last evaluated: 2021-08-07. Review status: no assertion criteria provided. Collection method: clinical testing. Allele origin: germline. Not counted in ClinVar's aggregate classification.